The following is an entry in ClinVar:

ClinVar aggregate classification (germline): Uncertain significance (1 of 4 stars; one submission).

Conditions:
Emery-Dreifuss muscular dystrophy 4, autosomal dominant (EDMD4). Also called: EMERY-DREIFUSS MUSCULAR DYSTROPHY 4 WITH VARIABLE FEATURES. Identifiers: Orphanet 261, MedGen C2751807, MONDO:0013071, OMIM 612998.
Autosomal recessive ataxia, Beauce type. Also called: Spinocerebellar ataxia, autosomal recessive 8; ATAXIA, RECESSIVE, OF BEAUCE; SYNE1-Related Autosomal Recessive Cerebellar Ataxia; SYNE1 Deficiency. Identifiers: Orphanet 88644, MedGen C1853116, MONDO:0012549, OMIM 610743.

Allele frequency attached by ClinVar (database versions not stated): gnomAD exomes 0.00001.
gnomAD v4.1: 9 of 1,614,058 alleles (0.00056%); highest among the groups gnomAD compares: South Asian, 0.0011%; no homozygotes.

Submission:

Labcorp Genetics (formerly Invitae), Labcorp
Classification: Uncertain significance for Emery-Dreifuss muscular dystrophy 4, autosomal dominant; Autosomal recessive ataxia, Beauce type. Last evaluated: 2024-02-17. Review status: criteria provided, single submitter. Criteria: Invitae Variant Classification Sherloc (09022015). Collection method: clinical testing. Allele origin: germline.
Comment: This sequence change replaces glutamic acid, which is acidic and polar, with lysine, which is basic and polar, at codon 5931 of the SYNE1 protein (p.Glu5931Lys). This variant is not present in population databases (gnomAD no frequency). This variant has not been reported in the literature in individuals affected with SYNE1-related conditions. ClinVar contains an entry for this variant (Variation ID: 665569). An algorithm developed to predict the effect of missense changes on protein structure and function (PolyPhen-2) suggests that this variant is likely to be disruptive. In summary, the available evidence is currently insufficient to determine the role of this variant in disease. Therefore, it has been classified as a Variant of Uncertain Significance.

NM_182961.4(SYNE1):c.18004G>A (p.Glu6002Lys)

Gene: SYNE1 (spectrin repeat containing nuclear envelope protein 1; minus strand). Cytogenetic location: 6q25.2.
Variant type: single nucleotide variant.
Coding change: c.18004G>A on transcript NM_182961.4 (MANE Select); coding-DNA position 18004, G replaced by A.
Protein change: p.Glu6002Lys; replaces glutamic acid 6002 with lysine.
Molecular consequence: missense variant.
Genome position (GRCh38, 1-based): chr6:152,293,596, C>T on the plus strand (G>A on the coding strand, the complement: SYNE1 is on the minus strand). VCF-style: chr6-152293596-C-T. GRCh37 (hg19) VCF-style: chr6-152614731-C-T.
Other names: c.17791G>A, p.Glu5931Lys (NM_033071.5); short protein forms E5931K, E6002K.
Identifiers: ClinVar variation 665569 (VCV000665569.8), dbSNP rs1589456322, ClinGen allele CA366099722.
Genomic context (GRCh38, chr6:152,293,596, plus strand): 5'-CAACAGTGCCTTATTCAATCAAGTAGGAAACTGAAGTCATGGCTATTTGTACCTGATGTT[C>T]AGCCATCTGGCTTTCTGGACTCCTGCCAGGCTCTGGGCTCTCACTGAGTTTCAGCTCAAT-3'
Protein context (NP_892006.3, residues 5992-6012): PGRSPESQMA[Glu6002Lys]HQALMDEILM